The following is an entry in ClinVar:

ClinVar aggregate classification (germline): Uncertain significance (1 of 4 stars; one submission).

Allele frequency attached by ClinVar (database versions not stated): gnomAD exomes below 0.00001; ExAC 0.00001.
gnomAD v4.1: 5 of 1,614,132 alleles (0.00031%); highest among the groups gnomAD compares: South Asian, 0.0033%; no homozygotes.

Submission:

Women's Health and Genetics/Laboratory Corporation of America, LabCorp
Classification: Uncertain significance. Last evaluated: 2023-08-24. Review status: criteria provided, single submitter. Criteria: LabCorp Variant Classification Summary - May 2015. Collection method: clinical testing. Allele origin: germline.
Comment: Variant summary: ARID1B c.2357C>T (p.Ala786Val) results in a non-conservative amino acid change in the encoded protein sequence. Two of four in-silico tools predict a benign effect of the variant on protein function. The variant allele was found at a frequency of 4e-06 in 251288 control chromosomes (i.e., 1 heterozygote; gnomAD v2.1 Exomes dataset). The available data on variant occurrences in the general population are insufficient to allow any conclusion about variant significance. To our knowledge, no occurrence of c.2357C>T in individuals affected with Coffin-Siris Syndrome 1 and no experimental evidence demonstrating its impact on protein function have been reported. No submitters have reported clinical-significance assessments for this variant to ClinVar after 2014. Based on the evidence outlined above, the variant was classified as uncertain significance.

NM_001374828.1(ARID1B):c.2357C>T (p.Ala786Val)

Gene: ARID1B (AT-rich interaction domain 1B; plus strand). Cytogenetic location: 6q25.3.
Variant type: single nucleotide variant.
Coding change: c.2357C>T on transcript NM_001374828.1 (MANE Select); coding-DNA position 2357, C replaced by T.
Protein change: p.Ala786Val; replaces alanine 786 with valine.
Molecular consequence: missense variant. On other transcripts: 5 prime UTR variant (1).
Genome position (GRCh38, 1-based): chr6:157,084,771, C>T. VCF-style: chr6-157084771-C-T. GRCh37 (hg19) VCF-style: chr6-157405905-C-T.
Other names: c.2108C>T, p.Ala703Val (NM_001346813.1); c.-143C>T (NM_001363725.2); c.2396C>T, p.Ala799Val (NM_001371656.1, NM_001374820.1); c.2357C>T, p.Ala786Val (NM_017519.3); c.2147C>T, p.Ala716Val (NM_020732.3); c.1934C>T, p.Ala645Val (NM_175863.2); short protein forms A645V, A703V, A716V, A786V, A799V.
Identifiers: ClinVar variation 2581337 (VCV002581337.1), dbSNP rs774701560, ClinGen allele CA4067024.
Genomic context (GRCh38, chr6:157,084,771, plus strand): 5'-TGAGCTCAGCAGTCAGTGCATCCGGGTCCACGAGCAGCCAAGGGGATCAGAGCAACCCGG[C>T]GCAGTCGCCTTTCTCCCCACATGCGTCCCCTCATCTCTCCAGCATCCCGGGGGGCCCATC-3'
Protein context (NP_001361757.1, residues 776-796): TSSQGDQSNP[Ala786Val]QSPFSPHASP